The following is an entry in ClinVar:

NM_015702.3(MMADHC):c.653_654dup (p.Gly219fs)

Gene: MMADHC (metabolism of cobalamin associated D; minus strand). Cytogenetic location: 2q23.2.
Variant type: Duplication.
Coding change: c.653_654dup on transcript NM_015702.3 (MANE Select); coding-DNA positions 653 to 654, 2 bases duplicated (AG; older notation c.653_654dupAG).
Protein change: p.Gly219fs; shifts the reading frame from glycine 219.
Molecular consequence: frameshift variant.
Genome position (GRCh38, 1-based): chr2:149,571,127-149,571,128, CT duplicated on the plus strand (AG on the coding strand, the reverse complement: MMADHC is on the minus strand); duplicating any 2 consecutive bases within chr2:149,571,127-149,571,129 gives the same sequence; the c. name uses the placement nearest the transcript's 3' end. VCF-style (leftmost placement, unchanged base first): chr2-149571126-C-CCT. GRCh37 (hg19) VCF-style: chr2-150427640-C-CCT.
Other names: p.Gly219Argfs*35; short protein forms G219fs.
Identifiers: ClinVar variation 1958245 (VCV001958245.7), dbSNP rs1558845002, ClinGen allele CA536935264.

ClinVar aggregate classification (germline): Pathogenic/Likely pathogenic. Review status: criteria provided, multiple submitters, no conflicts (2 of 4 stars). 2 submissions from 2 submitters: Pathogenic (1); Likely pathogenic (1). Last evaluated 2025-08-18.

Conditions:
Methylmalonic aciduria and homocystinuria type cblD (MAHCD). Also called: METHYLMALONIC ACIDEMIA, cblH TYPE; Methylmalonic aciduria with homocystinuria cblD type. Identifiers: Orphanet 622, Orphanet 79283, MedGen C1848552, MONDO:0010185, OMIM 277410.

Submissions (2):

Mayo Clinic Laboratories, Mayo Clinic
Classification: Likely pathogenic. Last evaluated: 2025-08-18. Review status: criteria provided, single submitter. Criteria: ACMG Guidelines, 2015. Collection method: clinical testing. Allele origin: germline. Observed: 1 variant allele.
Comment: PM2_supporting, PVS1_strong

Labcorp Genetics (formerly Invitae), Labcorp
Classification: Pathogenic for Methylmalonic aciduria and homocystinuria type cblD. Last evaluated: 2022-08-23. Review status: criteria provided, single submitter. Criteria: Invitae Variant Classification Sherloc (09022015). Collection method: clinical testing. Allele origin: germline.
Comment: This sequence change creates a premature translational stop signal (p.Gly219Argfs*35) in the MMADHC gene. While this is not anticipated to result in nonsense mediated decay, it is expected to disrupt the last 78 amino acid(s) of the MMADHC protein. This variant is present in population databases (no rsID available, gnomAD 0.0009%). This variant has not been reported in the literature in individuals affected with MMADHC-related conditions. This variant disrupts a region of the MMADHC protein in which other variant(s) (p.Tyr249Cys) have been determined to be pathogenic (PMID: 18385497, 22156578, 25155779). This suggests that this is a clinically significant region of the protein, and that variants that disrupt it are likely to be disease-causing. For these reasons, this variant has been classified as Pathogenic.

Literature cited by the submitters: PubMed 18385497 (cited by Labcorp Genetics (formerly Invitae), Labcorp); PubMed 22156578 (cited by Labcorp Genetics (formerly Invitae), Labcorp); PubMed 25155779 (cited by Labcorp Genetics (formerly Invitae), Labcorp).